The following is an entry in ClinVar:

ClinVar aggregate classification (germline): Pathogenic (1 of 4 stars; one submission).

Conditions:
Hereditary cancer-predisposing syndrome. Also called: Neoplastic Syndromes, Hereditary; Tumor predisposition; Hereditary Cancer Syndrome; Hereditary neoplastic syndrome. Identifiers: Orphanet 140162, MedGen C0027672, MeSH D009386, MONDO:0015356.

Submission:

Ambry Genetics
Classification: Pathogenic for Hereditary cancer-predisposing syndrome. Last evaluated: 2026-05-19. Review status: criteria provided, single submitter. Criteria: Ambry Variant Classification Scheme 2023. Collection method: clinical testing. Allele origin: germline.
Comment: The p.E310* pathogenic mutation (also known as c.928G>T), located in coding exon 7 of the POT1 gene, results from a G to T substitution at nucleotide position 928. This changes the amino acid from a glutamic acid to a stop codon within coding exon 7. This variant is considered to be rare based on population cohorts in the Genome Aggregation Database (gnomAD). This alteration is expected to result in loss of function by premature protein truncation or nonsense-mediated mRNA decay. As such, this alteration is interpreted as a disease-causing mutation.

NM_015450.3(POT1):c.928G>T (p.Glu310Ter)

Gene: POT1 (protection of telomeres 1; minus strand). Cytogenetic location: 7q31.33.
Variant type: single nucleotide variant.
Coding change: c.928G>T on transcript NM_015450.3 (MANE Select); coding-DNA position 928, G replaced by T.
Protein change: p.Glu310Ter; replaces glutamic acid 310 with a stop codon.
Molecular consequence: nonsense. On other transcripts: non-coding transcript variant (3).
Genome position (GRCh38, 1-based): chr7:124,851,893, C>A on the plus strand (G>T on the coding strand, the complement: POT1 is on the minus strand). VCF-style: chr7-124851893-C-A. GRCh37 (hg19) VCF-style: chr7-124491947-C-A.
Other names: c.535G>T, p.Glu179Ter (NM_001042594.2); short protein forms E179*, E310*.
Identifiers: ClinVar variation 4862401 (VCV004862401.1).